The following is an entry in ClinVar:

NC_000009.12:g.35657808T>C

Gene: RMRP (RNA component of mitochondrial RNA processing endoribonuclease; minus strand). Cytogenetic location: 9p13.3.
Variant type: single nucleotide variant.
Genome position: GRCh38 VCF-style: chr9-35657808-T-C. GRCh37 (hg19) VCF-style: chr9-35657805-T-C.
Identifiers: ClinVar variation 1020259 (VCV001020259.9), dbSNP rs1243849504, ClinGen allele CA464450527.

ClinVar aggregate classification (germline): Uncertain significance (1 of 4 stars; one submission).

Conditions:
Anauxetic dysplasia. Identifiers: Orphanet 93347, MedGen C1846796, MONDO:0011773.

Allele frequency attached by ClinVar (database versions not stated): gnomAD exomes below 0.00001; TOPMed below 0.00001; gnomAD 0.00001.
gnomAD v4.1: 2 of 700,240 alleles (0.00029%); highest among the groups gnomAD compares: African/African-American, 0.0017%; no homozygotes.

Submission:

Labcorp Genetics (formerly Invitae), Labcorp
Classification: Uncertain significance for Anauxetic dysplasia. Last evaluated: 2022-09-27. Review status: criteria provided, single submitter. Criteria: Invitae Variant Classification Sherloc (09022015). Collection method: clinical testing. Allele origin: germline.
Comment: This variant occurs in the RMRP gene, which encodes an RNA molecule that does not result in a protein product. This variant is not present in population databases (gnomAD no frequency). In summary, the available evidence is currently insufficient to determine the role of this variant in disease. Therefore, it has been classified as a Variant of Uncertain Significance. Experimental studies and prediction algorithms are not available or were not evaluated, and the functional significance of this variant is currently unknown. ClinVar contains an entry for this variant (Variation ID: 1020259). This variant has not been reported in the literature in individuals affected with RMRP-related conditions.